The following is an entry in ClinVar:

ClinVar aggregate classification (germline): Uncertain significance (1 of 4 stars; one submission).

gnomAD v4.1: 67 of 1,593,326 alleles (0.0042%); highest among the groups gnomAD compares: South Asian, 0.053%; 1 homozygote.

Submission:

CeGaT Center for Human Genetics Tuebingen
Classification: Uncertain significance. Last evaluated: 2024-10-01. Review status: criteria provided, single submitter. Criteria: CeGaT Center For Human Genetics Tuebingen Variant Classification Criteria Version 2. Collection method: clinical testing. Allele origin: germline. Affected: yes. Observed: 1 variant allele.
Comment: OTOGL: PM2, BP4

NM_001378609.3(OTOGL):c.2798G>A (p.Arg933Gln)

Gene: OTOGL (otogelin like; plus strand). Cytogenetic location: 12q21.31.
Variant type: single nucleotide variant.
Coding change: c.2798G>A on transcript NM_001378609.3 (MANE Select); coding-DNA position 2798, G replaced by A.
Protein change: p.Arg933Gln; replaces arginine 933 with glutamine.
Molecular consequence: missense variant.
Genome position (GRCh38, 1-based): chr12:80,279,036, G>A. VCF-style: chr12-80279036-G-A. GRCh37 (hg19) VCF-style: chr12-80672816-G-A.
Other names: c.2798G>A, p.Arg933Gln (NM_001368062.3, NM_001378610.3, NM_173591.7); short protein forms R933Q.
Identifiers: ClinVar variation 3388439 (VCV003388439.14).